The following is an entry in ClinVar:

NM_000071.3(CBS):c.1061T>C (p.Val354Ala)

Gene: CBS (cystathionine beta-synthase; minus strand). Cytogenetic location: 21q22.3.
Variant type: single nucleotide variant.
Coding change: c.1061T>C on transcript NM_000071.3 (MANE Select); coding-DNA position 1061, T replaced by C.
Protein change: p.Val354Ala; replaces valine 354 with alanine.
Molecular consequence: missense variant.
Genome position (GRCh38, 1-based): chr21:43,060,525, A>G on the plus strand (T>C on the coding strand, the complement: CBS is on the minus strand). VCF-style: chr21-43060525-A-G. GRCh37 (hg19) VCF-style: chr21-44480635-A-G.
Other names: c.1061T>C, p.Val354Ala (NM_001178008.3, NM_001178009.3, NM_001320298.2); c.746T>C, p.Val249Ala (NM_001321072.1); short protein forms V249A, V354A.
Identifiers: ClinVar variation 3390386 (VCV003390386.1).

ClinVar aggregate classification (germline): Uncertain significance (1 of 4 stars; one submission).

Submission:

GeneDx
Classification: Uncertain significance. Last evaluated: 2024-06-12. Review status: criteria provided, single submitter. Criteria: GeneDx Variant Classification Process June 2021. Collection method: clinical testing. Allele origin: germline. Affected: yes.
Comment: Not observed at significant frequency in large population cohorts (gnomAD); In silico analysis indicates that this missense variant does not alter protein structure/function; Has not been previously published as pathogenic or benign to our knowledge